The following is an entry in ClinVar:

ClinVar aggregate classification (germline): Likely benign (1 of 4 stars; one submission).

Submission:

CeGaT Center for Human Genetics Tuebingen
Classification: Likely benign. Last evaluated: 2022-06-01. Review status: criteria provided, single submitter. Criteria: CeGaT Center For Human Genetics Tuebingen Variant Classification Criteria Version 2. Collection method: clinical testing. Allele origin: germline. Affected: yes. Observed: 1 variant allele.
Comment: ATAD2: BS2

NM_014109.4(ATAD2):c.810TGA[11] (p.Asp277_Glu278insAspAspAsp)

Gene: ATAD2 (ATPase family AAA domain containing 2; minus strand). Cytogenetic location: 8q24.13.
Variant type: Microsatellite.
Coding change: c.810TGA[11] on transcript NM_014109.4 (MANE Select); 11 copies in a row of the 3-base unit TGA starting at c.810; the reference has eight copies in a row; three copies, 9 bases duplicated.
Protein change: p.Asp277_Glu278insAspAspAsp.
Molecular consequence: inframe insertion.
Genome position (GRCh38, 1-based): chr8:123,369,919-123,369,927, TCATCATCA duplicated on the plus strand (TGATGATGA on the coding strand, the reverse complement: ATAD2 is on the minus strand); duplicating any 9 consecutive bases within chr8:123,369,919-123,369,944 gives the same sequence; the position shown is the placement nearest the transcript's 3' end. VCF-style (leftmost placement, unchanged base first): chr8-123369918-T-TTCATCATCA. GRCh37 (hg19) VCF-style: chr8-124382158-T-TTCATCATCA.
Identifiers: ClinVar variation 2658791 (VCV002658791.24), dbSNP rs113064839, ClinGen allele CA4865776.
Genomic context (GRCh38, chr8:123,369,918, plus strand): 5'-CTGTCTAAGATAATATCGCTTCTGATTCTCTTCTTCTCCATCTTCTTCATCTTCATCATC[T>TTCATCATCA]TCATCATCATCATCATCATCATCATCGTCATCATCATCATCATCTTCATCATCTTCATCT-3'